The following is an entry in ClinVar:

ClinVar aggregate classification (germline): Uncertain significance. Review status: criteria provided, multiple submitters, no conflicts (2 of 4 stars). 2 submissions from 2 submitters: Uncertain significance (2). Last evaluated 2026-06-02.

Conditions:
ITGB3-related disorder. Also called: ITGB3-related condition.
Bleeding disorder, platelet-type, 24. Also called: GLANZMANN THROMBASTHENIA-LIKE WITH MACROTHROMBOCYTOPENIA 2. Identifiers: MedGen C5543280, MONDO:0030996, OMIM 619271.
Fetomaternal alloimmune thrombocytopenia 1. Also called: Platelet groups--pl(e) system. Identifiers: MedGen CN379742, MONDO:0980723, OMIM 621264.

Submissions (2):

PreventionGenetics, part of Exact Sciences
Classification: Uncertain significance for ITGB3-related condition. Last evaluated: 2026-06-02. Review status: criteria provided, single submitter. Criteria: ACMG Guidelines, 2015. Collection method: clinical testing. Allele origin: germline.
Comment: The ITGB3 c.310_311delinsCT variant is predicted to result in an in-frame deletion and insertion. To our knowledge, this variant has not been reported in the literature or in a large population database (gnomAD), indicating this variant is rare. At this time, the clinical significance of this variant is uncertain due to the absence of conclusive functional and genetic evidence.

Diagnostics Services (NGS), CSIR - Centre For Cellular And Molecular Biology
Classification: Uncertain significance for Bleeding disorder, platelet-type, 24; Fetomaternal alloimmune thrombocytopenia 1. Last evaluated: 2025-09-08. Review status: criteria provided, single submitter. Criteria: ACMG Guidelines, 2015. Collection method: clinical testing. Allele origin: germline. Affected: yes. Observed: 1 variant allele, 1 heterozygote.
Comment: The c.310_311delinsCT variant is not present in publicly available population databases like 1000 Genomes, EVS, gnomAD, Indian Exome Database or our internal database. This variant has neither been published in the literature for ITGB3-related conditions nor reported to clinical databases like Human Genome Mutation Database (HGMD), ClinVar or OMIM in any affected individuals. In-silico pathogenicity prediction programs like MutationTaster2021, CADD, etc predicted this variant to be likely deleterious however these predictions were not confirmed by published functional studies.

NM_000212.3(ITGB3):c.310_311delinsCT (p.Ser104Leu)

Gene: ITGB3 (integrin subunit beta 3; plus strand). Cytogenetic location: 17q21.32.
Variant type: Indel.
Coding change: c.310_311delinsCT on transcript NM_000212.3 (MANE Select); coding-DNA positions 310 to 311, TC replaced by CT.
Protein change: p.Ser104Leu; replaces serine 104 with leucine.
Molecular consequence: missense variant.
Genome position (GRCh38, 1-based): chr17:47,283,498-47,283,499, TC replaced by CT. VCF-style: chr17-47283498-TC-CT. GRCh37 (hg19) VCF-style: chr17-45360864-TC-CT.
Other names: c.310_311delinsCT (NM_000212.2); short protein forms S104L.
Identifiers: ClinVar variation 4279596 (VCV004279596.2).